The following is an entry in ClinVar:

ClinVar aggregate classification (germline): Uncertain significance (1 of 4 stars; one submission).

Conditions:
Neurofibromatosis, type 1 (NF1). Also called: Peripheral type neurofibromatosis; Neurofibromatosis, type I; VON RECKLINGHAUSEN DISEASE; NEUROFIBROMATOSIS, TYPE I, SOMATIC. Identifiers: Orphanet 636, MedGen C0027831, MONDO:0018975, OMIM 162200. Disease mechanism: loss of function.

Submission:

Labcorp Genetics (formerly Invitae), Labcorp
Classification: Uncertain significance for Neurofibromatosis, type 1. Last evaluated: 2024-02-10. Review status: criteria provided, single submitter. Criteria: Invitae Variant Classification Sherloc (09022015). Collection method: clinical testing. Allele origin: germline.
Comment: This sequence change replaces valine, which is neutral and non-polar, with alanine, which is neutral and non-polar, at codon 1308 of the NF1 protein (p.Val1308Ala). This variant is not present in population databases (gnomAD no frequency). This variant has not been reported in the literature in individuals affected with NF1-related conditions. Advanced modeling of protein sequence and biophysical properties (such as structural, functional, and spatial information, amino acid conservation, physicochemical variation, residue mobility, and thermodynamic stability) has been performed at Invitae for this missense variant, however the output from this modeling did not meet the statistical confidence thresholds required to predict the impact of this variant on NF1 protein function. In summary, the available evidence is currently insufficient to determine the role of this variant in disease. Therefore, it has been classified as a Variant of Uncertain Significance.

NM_001042492.3(NF1):c.3923T>C (p.Val1308Ala)

Gene: NF1 (neurofibromin 1; plus strand). Cytogenetic location: 17q11.2.
Variant type: single nucleotide variant.
Coding change: c.3923T>C on transcript NM_001042492.3 (MANE Select); coding-DNA position 3923, T replaced by C.
Protein change: p.Val1308Ala; replaces valine 1308 with alanine.
Molecular consequence: missense variant.
Genome position (GRCh38, 1-based): chr17:31,235,970, T>C. VCF-style: chr17-31235970-T-C. GRCh37 (hg19) VCF-style: chr17-29562988-T-C.
Other names: c.3923T>C, p.Val1308Ala (NM_000267.4); short protein forms V1308A.
Identifiers: ClinVar variation 3688371 (VCV003688371.2).